The following is an entry in ClinVar:

ClinVar aggregate classification (germline): Uncertain significance. Review status: criteria provided, multiple submitters, no conflicts (2 of 4 stars). 2 submissions from 2 submitters: Uncertain significance (2). Last evaluated 2025-05-24.

Conditions:
Hereditary cancer-predisposing syndrome. Also called: Hereditary Cancer Syndrome; Hereditary neoplastic syndrome; Neoplastic Syndromes, Hereditary; Tumor predisposition. Identifiers: Orphanet 140162, MedGen C0027672, MeSH D009386, MONDO:0015356.
Familial cancer of breast. Also called: BREAST CANCER, FAMILIAL; Hereditary breast cancer; hereditary breast carcinoma. Identifiers: Orphanet 227535, MedGen C0346153, MONDO:0016419, OMIM 114480. Disease mechanism: loss of function.

Submissions (2):

Ambry Genetics
Classification: Uncertain significance for Hereditary cancer-predisposing syndrome. Last evaluated: 2025-05-24. Review status: criteria provided, single submitter. Criteria: Ambry Variant Classification Scheme 2023. Collection method: clinical testing. Allele origin: germline.
Comment: The p.G505E variant (also known as c.1514G>A), located in coding exon 6 of the BARD1 gene, results from a G to A substitution at nucleotide position 1514. The glycine at codon 505 is replaced by glutamic acid, an amino acid with similar properties. This amino acid position is conserved. In addition, this alteration is predicted to be deleterious by in silico analysis. Based on the available evidence, the clinical significance of this variant remains unclear.

Labcorp Genetics (formerly Invitae), Labcorp
Classification: Uncertain significance for Familial cancer of breast. Last evaluated: 2024-04-10. Review status: criteria provided, single submitter. Criteria: Invitae Variant Classification Sherloc (09022015). Collection method: clinical testing. Allele origin: germline.
Comment: This sequence change replaces glycine, which is neutral and non-polar, with glutamic acid, which is acidic and polar, at codon 505 of the BARD1 protein (p.Gly505Glu). This variant is not present in population databases (gnomAD no frequency). This variant has not been reported in the literature in individuals affected with BARD1-related conditions. ClinVar contains an entry for this variant (Variation ID: 406784). An algorithm developed to predict the effect of missense changes on protein structure and function (PolyPhen-2) suggests that this variant is likely to be disruptive. In summary, the available evidence is currently insufficient to determine the role of this variant in disease. Therefore, it has been classified as a Variant of Uncertain Significance.

NM_000465.4(BARD1):c.1514G>A (p.Gly505Glu)

Gene: BARD1 (BRCA1 associated RING domain 1; minus strand). Cytogenetic location: 2q35.
Variant type: single nucleotide variant.
Coding change: c.1514G>A on transcript NM_000465.4 (MANE Select); coding-DNA position 1514, G replaced by A.
Protein change: p.Gly505Glu; replaces glycine 505 with glutamic acid.
Molecular consequence: missense variant. On other transcripts: non-coding transcript variant (3), intron variant (3).
Genome position (GRCh38, 1-based): chr2:214,767,536, C>T on the plus strand (G>A on the coding strand, the complement: BARD1 is on the minus strand). VCF-style: chr2-214767536-C-T. GRCh37 (hg19) VCF-style: chr2-215632260-C-T.
Other names: c.1457G>A, p.Gly486Glu (NM_001282543.2); c.159-14981G>A (NM_001282548.2); c.216-14981G>A (NM_001282545.2); c.364+24761G>A (NM_001282549.2); c.1514G>A (NM_000465.2); short protein forms G505E, G486E.
Identifiers: ClinVar variation 406784 (VCV000406784.10), dbSNP rs1060501304, ClinGen allele CA16610648.